The following is an entry in ClinVar:

ClinVar aggregate classification (germline): Uncertain significance (1 of 4 stars; one submission).

Conditions:
Inborn genetic diseases. Identifiers: MedGen C0950123, MeSH D030342.

gnomAD v4.1: 3 of 1,613,894 alleles (0.00019%); highest among the groups gnomAD compares: Admixed American, 0.0017%; no homozygotes.

Submission:

Ambry Genetics
Classification: Uncertain significance for Inborn genetic diseases. Last evaluated: 2024-01-14. Review status: criteria provided, single submitter. Criteria: Ambry Variant Classification Scheme 2023. Collection method: clinical testing. Allele origin: germline.
Comment: The p.L652F variant (also known as c.1954C>T), located in coding exon 21 of the ERCC2 gene, results from a C to T substitution at nucleotide position 1954. The leucine at codon 652 is replaced by phenylalanine, an amino acid with highly similar properties. This amino acid position is conserved. In addition, the in silico prediction for this alteration is inconclusive. Since supporting evidence is limited at this time, the clinical significance of this alteration remains unclear.

NM_000400.4(ERCC2):c.1954C>T (p.Leu652Phe)

Gene: ERCC2 (ERCC excision repair 2, TFIIH core complex helicase subunit; minus strand). Cytogenetic location: 19q13.32.
Variant type: single nucleotide variant.
Coding change: c.1954C>T on transcript NM_000400.4 (MANE Select); coding-DNA position 1954, C replaced by T.
Protein change: p.Leu652Phe; replaces leucine 652 with phenylalanine.
Molecular consequence: missense variant.
Genome position (GRCh38, 1-based): chr19:45,352,598, G>A on the plus strand (C>T on the coding strand, the complement: ERCC2 is on the minus strand). VCF-style: chr19-45352598-G-A. GRCh37 (hg19) VCF-style: chr19-45855856-G-A.
Other names: short protein forms L652F.
Identifiers: ClinVar variation 1783278 (VCV001783278.2), dbSNP rs1971847758, ClinGen allele CA406363323.